The following is an entry in ClinVar:

ClinVar aggregate classification (germline): Pathogenic/Likely pathogenic. Review status: criteria provided, multiple submitters, no conflicts (2 of 4 stars). 2 submissions from 2 submitters: Pathogenic (1); Likely pathogenic (1). Last evaluated 2025-06-12.

Conditions:
Epidermolysis bullosa, junctional 7, with interstitial lung disease and nephrotic syndrome. Also called: Interstitial lung disease, nephrotic syndrome, and epidermolysis bullosa, congenital; Interstitial Lung Disease with Nephrotic Syndrome and Epidermolysis Bullosa. Identifiers: Orphanet 306504, MedGen C4518785, MONDO:0013881, OMIM 614748.

Allele frequency attached by ClinVar (database versions not stated): gnomAD exomes below 0.00001; TOPMed 0.00002.

Submissions (2):

Labcorp Genetics (formerly Invitae), Labcorp
Classification: Pathogenic. Last evaluated: 2025-06-12. Review status: criteria provided, single submitter. Criteria: Invitae Variant Classification Sherloc (09022015). Collection method: clinical testing. Allele origin: germline.
Comment: This sequence change creates a premature translational stop signal (p.Pro81Alafs*22) in the ITGA3 gene. It is expected to result in an absent or disrupted protein product. Loss-of-function variants in ITGA3 are known to be pathogenic (PMID: 22512483). This variant is not present in population databases (gnomAD no frequency). This variant has not been reported in the literature in individuals affected with ITGA3-related conditions. ClinVar contains an entry for this variant (Variation ID: 2127941). For these reasons, this variant has been classified as Pathogenic.

Fulgent Genetics
Classification: Likely pathogenic for Epidermolysis bullosa, junctional 7, with interstitial lung disease and nephrotic syndrome. Last evaluated: 2024-02-08. Review status: criteria provided, single submitter. Criteria: ACMG Guidelines, 2015. Collection method: clinical testing. Allele origin: germline.

Literature cited by the submitters: PubMed 22512483 (cited by Labcorp Genetics (formerly Invitae), Labcorp).

NM_002204.4(ITGA3):c.240dup (p.Pro81fs)

Genes: ITGA3 (integrin subunit alpha 3; plus strand), LOC126862584 (P300/CBP strongly-dependent group 1 enhancer GRCh37_chr17:48141472-48142671; plus strand). Cytogenetic location: 17q21.33.
Variant type: Duplication.
Coding change: c.240dup on transcript NM_002204.4 (MANE Select); coding-DNA position 240, one base duplicated (G; older notation c.240dupG).
Protein change: p.Pro81fs; shifts the reading frame from proline 81.
Molecular consequence: frameshift variant.
Genome position (GRCh38, 1-based): chr17:50,064,110, G duplicated. VCF-style (leftmost placement, unchanged base first): chr17-50064109-T-TG. GRCh37 (hg19) VCF-style: chr17-48141473-T-TG.
Other names: short protein forms P81fs.
Identifiers: ClinVar variation 2127941 (VCV002127941.5), dbSNP rs1416855722, ClinGen allele CA772771210.